The following is an entry in ClinVar:

NM_005476.7(GNE):c.175C>T (p.Arg59Ter)

Gene: GNE (glucosamine (UDP-N-acetyl)-2-epimerase/N-acetylmannosamine kinase; minus strand). Cytogenetic location: 9p13.3.
Variant type: single nucleotide variant.
Coding change: c.175C>T on transcript NM_005476.7 (MANE Select); coding-DNA position 175, C replaced by T.
Protein change: p.Arg59Ter; replaces arginine 59 with a stop codon.
Molecular consequence: nonsense. On other transcripts: 5 prime UTR variant (3).
Genome position (GRCh38, 1-based): chr9:36,246,472, G>A on the plus strand (C>T on the coding strand, the complement: GNE is on the minus strand). VCF-style: chr9-36246472-G-A. GRCh37 (hg19) VCF-style: chr9-36246469-G-A.
Other names: c.268C>T, p.Arg90Ter (NM_001128227.3); c.175C>T, p.Arg59Ter (NM_001190383.3, NM_001374797.1); c.-3C>T (NM_001190384.3, NM_001190388.2, NM_001374798.1); short protein forms R90*, R59*.
Identifiers: ClinVar variation 285936 (VCV000285936.24), dbSNP rs745517517, ClinGen allele CA5056751.

ClinVar aggregate classification (germline): Pathogenic/Likely pathogenic. Review status: criteria provided, multiple submitters, no conflicts (2 of 4 stars). 9 submissions from 9 submitters: Pathogenic (6); Likely pathogenic (1). 2 of the submissions do not count toward it. Last evaluated 2024-06-28.

Conditions:
GNE-related disorders.
Sialuria. Also called: Sialic Acid Storage Disease; SIALURIA, FRENCH TYPE. Identifiers: Orphanet 3166, MedGen C0342853, MONDO:0010028, OMIM 269921.
GNE myopathy (NM). Also called: MYOPATHY, DISTAL, WITH OR WITHOUT RIMMED VACUOLES; IBM 2; Inclusion body myopathy autosomal recessive; Inclusion body myopathy quadriceps sparing; NONAKA DISTAL MYOPATHY; INCLUSION BODY MYOPATHY, HEREDITARY, AUTOSOMAL RECESSIVE. Identifiers: Orphanet 602, MedGen C1853926, MONDO:0011603, OMIM 605820.
Thrombocytopenia 12 with or without myopathy (THC12). Identifiers: MedGen C5935593, MONDO:0958325, OMIM 620757.

Allele frequency attached by ClinVar (database versions not stated): gnomAD exomes 0.00003 and 0.00001; TOPMed 0.00002; ExAC 0.00004.
gnomAD v4.1: 16 of 1,610,764 alleles (0.00099%); highest among the groups gnomAD compares: Admixed American, 0.0017%; no homozygotes.

Submissions (9):

3billion
Classification: Pathogenic for GNE myopathy. Last evaluated: 2024-06-28. Review status: criteria provided, single submitter. Criteria: ACMG Guidelines, 2015. Collection method: clinical testing. Allele origin: germline. Affected: yes.
Comment: The variant is observed at an extremely low frequency in the gnomAD v4.0.0 dataset (total allele frequency: 0.001%). Predicted Consequence/Location: Stop-gained (nonsense): predicted to result in a loss or disruption of normal protein function through nonsense-mediated decay (NMD) or protein truncation. Multiple pathogenic variants are reported downstream of the variant. The variant has been reported at least twice as pathogenic with clinical assertions and evidence for the classification (ClinVar ID: VCV000285936 /PMID: 27858732). Therefore, this variant is classified as Pathogenic according to the recommendation of ACMG/AMP guideline.

Fulgent Genetics
Classification: Pathogenic for Sialuria; GNE myopathy; Thrombocytopenia 12 with or without myopathy. Last evaluated: 2024-06-18. Review status: criteria provided, single submitter. Criteria: ACMG Guidelines, 2015. Collection method: clinical testing. Allele origin: germline.

Baylor Genetics
Classification: Pathogenic for GNE myopathy. Last evaluated: 2023-11-27. Review status: criteria provided, single submitter. Criteria: ACMG Guidelines, 2015. Collection method: clinical testing. Allele origin: unknown.

Labcorp Genetics (formerly Invitae), Labcorp
Classification: Pathogenic for Sialuria; GNE myopathy. Last evaluated: 2023-05-21. Review status: criteria provided, single submitter. Criteria: Invitae Variant Classification Sherloc (09022015). Collection method: clinical testing. Allele origin: germline.
Comment: For these reasons, this variant has been classified as Pathogenic. ClinVar contains an entry for this variant (Variation ID: 285936). This variant has not been reported in the literature in individuals affected with GNE-related conditions. This variant is present in population databases (rs745517517, gnomAD 0.006%). This sequence change creates a premature translational stop signal (p.Arg90*) in the GNE gene. It is expected to result in an absent or disrupted protein product. Loss-of-function variants in GNE are known to be pathogenic (PMID: 24027297).

Revvity Omics, Revvity
Classification: Pathogenic. Last evaluated: 2022-06-24. Review status: criteria provided, single submitter. Criteria: ACMG Guidelines, 2015. Collection method: clinical testing. Allele origin: germline.

Blueprint Genetics
Classification: Likely pathogenic for GNE-related disorders. Last evaluated: 2018-05-04. Review status: criteria provided, single submitter. Criteria: ACMG Guidelines, 2015. Collection method: clinical testing. Allele origin: germline. Affected: yes. Observed: 1 variant allele.

Eurofins Ntd Llc (ga)
Classification: Pathogenic. Last evaluated: 2016-02-12. Review status: criteria provided, single submitter. Criteria: EGL Classification Definitions 2015. Collection method: clinical testing. Allele origin: germline. Observed: 1 variant allele, 1 heterozygote.

Natera, Inc.
Classification: Pathogenic for Nonaka myopathy. Last evaluated: 2020-09-10. Review status: no assertion criteria provided. Collection method: clinical testing. Allele origin: germline. Not counted in ClinVar's aggregate classification.

Counsyl
Classification: Likely pathogenic for GNE myopathy. Last evaluated: 2015-03-02. Review status: no assertion criteria provided. Collection method: clinical testing. Allele origin: unknown. Not counted in ClinVar's aggregate classification.

Literature cited by the submitters: PubMed 27858732 (cited by 3billion); PubMed 24027297 (cited by Labcorp Genetics (formerly Invitae), Labcorp).